The following is an entry in ClinVar:

NM_015474.4(SAMHD1):c.1216A>C (p.Lys406Gln)

Gene: SAMHD1 (SAM and HD domain containing deoxynucleoside triphosphate triphosphohydrolase 1; minus strand). Cytogenetic location: 20q11.23.
Variant type: single nucleotide variant.
Coding change: c.1216A>C on transcript NM_015474.4 (MANE Select); coding-DNA position 1216, A replaced by C.
Protein change: p.Lys406Gln; replaces lysine 406 with glutamine.
Molecular consequence: missense variant.
Genome position (GRCh38, 1-based): chr20:36,911,272, T>G on the plus strand (A>C on the coding strand, the complement: SAMHD1 is on the minus strand). VCF-style: chr20-36911272-T-G. GRCh37 (hg19) VCF-style: chr20-35539675-T-G.
Other names: c.1216A>C, p.Lys406Gln (NM_001363729.2, NM_001363733.2); short protein forms K406Q.
Identifiers: ClinVar variation 1998255 (VCV001998255.4), dbSNP rs2515236169, ClinGen allele CA408843482.

ClinVar aggregate classification (germline): Uncertain significance (1 of 4 stars; one submission).

Conditions:
Aicardi-Goutieres syndrome 5. Identifiers: Orphanet 51, MedGen C2749659, MONDO:0013059, OMIM 612952.

Submission:

Labcorp Genetics (formerly Invitae), Labcorp
Classification: Uncertain significance for Aicardi-Goutieres syndrome 5. Last evaluated: 2022-05-24. Review status: criteria provided, single submitter. Criteria: Invitae Variant Classification Sherloc (09022015). Collection method: clinical testing. Allele origin: germline.
Comment: In summary, the available evidence is currently insufficient to determine the role of this variant in disease. Therefore, it has been classified as a Variant of Uncertain Significance. Algorithms developed to predict the effect of missense changes on protein structure and function (SIFT, PolyPhen-2, Align-GVGD) all suggest that this variant is likely to be tolerated. This variant has not been reported in the literature in individuals affected with SAMHD1-related conditions. This variant is not present in population databases (gnomAD no frequency). This sequence change replaces lysine, which is basic and polar, with glutamine, which is neutral and polar, at codon 406 of the SAMHD1 protein (p.Lys406Gln).